The following is an entry in ClinVar:

ClinVar aggregate classification (germline): Uncertain significance (1 of 4 stars; one submission).

Submission:

Labcorp Genetics (formerly Invitae), Labcorp
Classification: Uncertain significance. Last evaluated: 2024-09-06. Review status: criteria provided, single submitter. Criteria: Invitae Variant Classification Sherloc (09022015). Collection method: clinical testing. Allele origin: germline.
Comment: This sequence change replaces serine, which is neutral and polar, with isoleucine, which is neutral and non-polar, at codon 812 of the DSG1 protein (p.Ser812Ile). This variant is not present in population databases (gnomAD no frequency). This variant has not been reported in the literature in individuals affected with DSG1-related conditions. Invitae Evidence Modeling of protein sequence and biophysical properties (such as structural, functional, and spatial information, amino acid conservation, physicochemical variation, residue mobility, and thermodynamic stability) indicates that this missense variant is not expected to disrupt DSG1 protein function with a negative predictive value of 80%. In summary, the available evidence is currently insufficient to determine the role of this variant in disease. Therefore, it has been classified as a Variant of Uncertain Significance.

NM_001942.4(DSG1):c.2435G>T (p.Ser812Ile)

Genes: DSG1 (desmoglein 1; plus strand), DSG1-AS1 (DSG1 antisense RNA 1; minus strand), LOC126862720 (MED14-independent group 3 enhancer GRCh37_chr18:28933613-28934812; plus strand). Cytogenetic location: 18q12.1.
Variant type: single nucleotide variant.
Coding change: c.2435G>T on transcript NM_001942.4 (MANE Select); coding-DNA position 2435, G replaced by T.
Protein change: p.Ser812Ile; replaces serine 812 with isoleucine.
Molecular consequence: missense variant.
Genome position (GRCh38, 1-based): chr18:31,354,631, G>T. VCF-style: chr18-31354631-G-T. GRCh37 (hg19) VCF-style: chr18-28934594-G-T.
Other names: short protein forms S812I.
Identifiers: ClinVar variation 3687112 (VCV003687112.2).